The following is an entry in ClinVar:

ClinVar aggregate classification (germline): Uncertain significance (1 of 4 stars; one submission).

Conditions:
Perlman syndrome (PRLMNS). Identifiers: Orphanet 2849, MedGen C0796113, MONDO:0009965, OMIM 267000.

Submission:

Labcorp Genetics (formerly Invitae), Labcorp
Classification: Uncertain significance for Perlman syndrome. Last evaluated: 2023-03-01. Review status: criteria provided, single submitter. Criteria: Invitae Variant Classification Sherloc (09022015). Collection method: clinical testing. Allele origin: germline.
Comment: This variant has not been reported in the literature in individuals affected with DIS3L2-related conditions. This sequence change replaces alanine, which is neutral and non-polar, with valine, which is neutral and non-polar, at codon 326 of the DIS3L2 protein (p.Ala326Val). This variant is not present in population databases (gnomAD no frequency). Advanced modeling of protein sequence and biophysical properties (such as structural, functional, and spatial information, amino acid conservation, physicochemical variation, residue mobility, and thermodynamic stability) performed at Invitae indicates that this missense variant is not expected to disrupt DIS3L2 protein function. In summary, the available evidence is currently insufficient to determine the role of this variant in disease. Therefore, it has been classified as a Variant of Uncertain Significance.

NM_152383.5(DIS3L2):c.977C>T (p.Ala326Val)

Gene: DIS3L2 (DIS3 like 3'-5' exoribonuclease 2; plus strand). Cytogenetic location: 2q37.1.
Variant type: single nucleotide variant.
Coding change: c.977C>T on transcript NM_152383.5 (MANE Select); coding-DNA position 977, C replaced by T.
Protein change: p.Ala326Val; replaces alanine 326 with valine.
Molecular consequence: missense variant. On other transcripts: non-coding transcript variant (2).
Genome position (GRCh38, 1-based): chr2:232,163,485, C>T. VCF-style: chr2-232163485-C-T. GRCh37 (hg19) VCF-style: chr2-233028195-C-T.
Other names: c.977C>T, p.Ala326Val (NM_001257281.2); short protein forms A326V.
Identifiers: ClinVar variation 2798460 (VCV002798460.3), dbSNP rs2469895463, ClinGen allele CA351154212.